The following is an entry in ClinVar:

NM_001364564.1(SALL2):c.878G>C (p.Ser293Thr)

Gene: SALL2 (spalt like transcription factor 2; minus strand). Cytogenetic location: 14q11.2.
Variant type: single nucleotide variant.
Coding change: c.878G>C on transcript NM_001364564.1 (MANE Select); coding-DNA position 878, G replaced by C.
Protein change: p.Ser293Thr; replaces serine 293 with threonine.
Molecular consequence: missense variant.
Genome position (GRCh38, 1-based): chr14:21,524,844, C>G on the plus strand (G>C on the coding strand, the complement: SALL2 is on the minus strand). VCF-style: chr14-21524844-C-G. GRCh37 (hg19) VCF-style: chr14-21992978-C-G.
Other names: c.479G>C, p.Ser160Thr (NM_001291446.2); c.473G>C, p.Ser158Thr (NM_001291447.2); c.884G>C, p.Ser295Thr (NM_005407.3); short protein forms S158T, S293T, S295T, S160T.
Identifiers: ClinVar variation 2986639 (VCV002986639.3), dbSNP rs1300864381, ClinGen allele CA388912690.

ClinVar aggregate classification (germline): Uncertain significance (1 of 4 stars; one submission).

Submission:

Labcorp Genetics (formerly Invitae), Labcorp
Classification: Uncertain significance. Last evaluated: 2024-01-15. Review status: criteria provided, single submitter. Criteria: Invitae Variant Classification Sherloc (09022015). Collection method: clinical testing. Allele origin: germline.
Comment: This sequence change replaces serine, which is neutral and polar, with threonine, which is neutral and polar, at codon 295 of the SALL2 protein (p.Ser295Thr). This variant is present in population databases (no rsID available, gnomAD 0.003%). This variant has not been reported in the literature in individuals affected with SALL2-related conditions. An algorithm developed to predict the effect of missense changes on protein structure and function (PolyPhen-2) suggests that this variant is likely to be tolerated. In summary, the available evidence is currently insufficient to determine the role of this variant in disease. Therefore, it has been classified as a Variant of Uncertain Significance.